The following is an entry in ClinVar:

NM_004985.5(KRAS):c.*1634A>G

Gene: KRAS (KRas proto-oncogene, GTPase; minus strand). Cytogenetic location: 12p12.1.
Variant type: single nucleotide variant.
Coding change: c.*1634A>G on transcript NM_004985.5 (MANE Select); 1634 bases downstream of the stop codon, A replaced by G.
Molecular consequence: 3 prime UTR variant.
Genome position (GRCh38, 1-based): chr12:25,208,161, T>C on the plus strand (A>G on the coding strand, the complement: KRAS is on the minus strand). VCF-style: chr12-25208161-T-C. GRCh37 (hg19) VCF-style: chr12-25361095-T-C.
Other names: c.*1755A>G (NM_001369786.1, NM_033360.4); c.*1634A>G (NM_001369787.1).
Identifiers: ClinVar variation 2642796 (VCV002642796.24), dbSNP rs988374263, ClinGen allele CA234205849.
Genomic context (GRCh38, chr12:25,208,161, plus strand): 5'-ACAGATTGTGCTGAGCTTGACAAATAAGTGTATCCTTATGTAAATGGAATATAAATTACA[T>C]AGTTGTAAAAAAAAAAAACTAAGAGTTTGAGATGACTTCTTTTAACATGAAGAAATGGAT-3'

ClinVar aggregate classification (germline): Benign (1 of 4 stars; one submission).

Allele frequency attached by ClinVar (database versions not stated): gnomAD exomes 0.00062; 1000 Genomes Project 30x 0.00484; gnomAD 0.00493.
gnomAD v4.1: 596 of 190,962 alleles (0.31%); highest among the groups gnomAD compares: African/African-American, 1.3%; 9 homozygotes.

Submission:

CeGaT Center for Human Genetics Tuebingen
Classification: Benign. Last evaluated: 2022-08-01. Review status: criteria provided, single submitter. Criteria: CeGaT Center For Human Genetics Tuebingen Variant Classification Criteria Version 2. Collection method: clinical testing. Allele origin: germline. Affected: yes. Observed: 1 variant allele.
Comment: KRAS: BS1, BS2